The following is an entry in ClinVar:

NM_000083.3(CLCN1):c.547T>C (p.Ser183Pro)

Gene: CLCN1 (chloride voltage-gated channel 1; plus strand). Cytogenetic location: 7q34.
Variant type: single nucleotide variant.
Coding change: c.547T>C on transcript NM_000083.3 (MANE Select); coding-DNA position 547, T replaced by C.
Protein change: p.Ser183Pro; replaces serine 183 with proline.
Molecular consequence: missense variant. On other transcripts: non-coding transcript variant (1).
Genome position (GRCh38, 1-based): chr7:143,321,478, T>C. VCF-style: chr7-143321478-T-C. GRCh37 (hg19) VCF-style: chr7-143018571-T-C.
Other names: short protein forms S183P.
Identifiers: ClinVar variation 447068 (VCV000447068.9), dbSNP rs1554434814, ClinGen allele CA369684018.

ClinVar aggregate classification (germline): Uncertain significance. Review status: criteria provided, multiple submitters, no conflicts (2 of 4 stars). 3 submissions from 3 submitters: Uncertain significance (2). 1 of the submissions does not count toward it. Last evaluated 2024-12-18.

Conditions:
Congenital myotonia, autosomal recessive form. Also called: myotonia congenita, autosomal recessive; BECKER DISEASE; Becker Generalized Myotonia. Identifiers: Orphanet 614, MedGen C0751360, MONDO:0009715, OMIM 255700.
Congenital myotonia, autosomal dominant form (THD). Also called: THOMSEN DISEASE; Myotonia congenita autosomal dominant. Identifiers: Orphanet 614, MedGen C2936781, MONDO:0008055, OMIM 160800.

Allele frequency attached by ClinVar (database versions not stated): TOPMed below 0.00001; gnomAD 0.00001.
gnomAD v4.1: 1 of 1,613,752 alleles (0.000062%); highest among the groups gnomAD compares: Non-Finnish European, 0.000085%; no homozygotes.

Submissions (3):

Labcorp Genetics (formerly Invitae), Labcorp
Classification: Uncertain significance for Congenital myotonia, autosomal recessive form; Congenital myotonia, autosomal dominant form. Last evaluated: 2024-12-18. Review status: criteria provided, single submitter. Criteria: Invitae Variant Classification Sherloc (09022015). Collection method: clinical testing. Allele origin: germline.
Comment: This sequence change replaces serine, which is neutral and polar, with proline, which is neutral and non-polar, at codon 183 of the CLCN1 protein (p.Ser183Pro). This variant is not present in population databases (gnomAD no frequency). This missense change has been observed in individuals with autosomal dominant myotonia congenita (PMID: 23113340, 34529042, 35907044). ClinVar contains an entry for this variant (Variation ID: 447068). Invitae Evidence Modeling of protein sequence and biophysical properties (such as structural, functional, and spatial information, amino acid conservation, physicochemical variation, residue mobility, and thermodynamic stability) has been performed for this missense variant. However, the output from this modeling did not meet the statistical confidence thresholds required to predict the impact of this variant on CLCN1 protein function. Experimental studies have shown that this missense change affects CLCN1 function (PMID: 34529042). In summary, the available evidence is currently insufficient to determine the role of this variant in disease. Therefore, it has been classified as a Variant of Uncertain Significance.

Athena Diagnostics
Classification: Uncertain significance. Last evaluated: 2016-12-15. Review status: criteria provided, single submitter. Criteria: Athena Diagnostics Criteria. Collection method: clinical testing. Allele origin: germline.

Department of Neurology and Geriatrics, Kagoshima University Graduate School of Medical and Dental Sciences
Classification: Uncertain significance for Congenital myotonia, autosomal dominant form. Last evaluated: 2022-04-06. Review status: no assertion criteria provided. Collection method: research. Allele origin: germline. Affected: yes. Not counted in ClinVar's aggregate classification.

Literature cited by the submitters: PubMed 23113340 (cited by Labcorp Genetics (formerly Invitae), Labcorp and Athena Diagnostics); PubMed 34529042 (cited by Labcorp Genetics (formerly Invitae), Labcorp); PubMed 35907044 (cited by Labcorp Genetics (formerly Invitae), Labcorp).